The following is an entry in ClinVar:

NM_006019.4(TCIRG1):c.1791_1793del (p.Ala598del)

Gene: TCIRG1 (T cell immune regulator 1, ATPase H+ transporting V0 subunit a3; plus strand). Cytogenetic location: 11q13.2.
Variant type: Deletion.
Coding change: c.1791_1793del on transcript NM_006019.4 (MANE Select); coding-DNA positions 1791 to 1793, 3 bases deleted (TGC; older notation c.1791_1793delTGC).
Protein change: p.Ala598del; deletes alanine 598.
Molecular consequence: inframe deletion.
Genome position (GRCh38, 1-based): chr11:68,049,198-68,049,200, TGC deleted; deleting any 3 consecutive bases within chr11:68,049,196-68,049,200 gives the same sequence; the c. name uses the placement nearest the transcript's 3' end. VCF-style (leftmost placement, unchanged base first): chr11-68049195-GGCT-G. GRCh37 (hg19) VCF-style: chr11-67816662-GGCT-G.
Other names: c.897_899del, p.Ala300del (NM_001351059.2); c.1791_1793del, p.Ala598del (NM_001440552.1, NM_001440553.1, NM_001440554.1 and 2 more transcripts); c.1749_1751del, p.Ala584del (NM_001440555.1, NM_001440556.1, NM_001440563.1); c.1578_1580del, p.Ala527del (NM_001440559.1, NM_001440560.1, NM_001440561.1 and 2 more transcripts); c.1536_1538del, p.Ala513del (NM_001440564.1); c.1491_1493del, p.Ala498del (NM_001440565.1); c.1329_1331del, p.Ala444del (NM_001440567.1); c.1323_1325del, p.Ala442del (NM_001440568.1); and 2 more; short protein forms A444del, A498del, A300del, A442del, A513del, A527del, A584del, A598del.
Identifiers: ClinVar variation 5003853 (VCV005003853.1).
Genomic context (GRCh38, chr11:68,049,195, plus strand): 5'-CCTGCTGGGACTCTTCGGTTACCTCGTGTTCCTAGTCATCTACAAGTGGCTGTGTGTCTG[GGCT>G]GCCAGGGCCGCCTCGGCCCCCAGCATCCTCATCCACTTCATCAACATGTTCCTCTTCTCC-3'

ClinVar aggregate classification (germline): Uncertain significance (1 of 4 stars; one submission).

Conditions:
Autosomal recessive osteopetrosis 1. Also called: TCIRG1-Related Osteopetrosis; ALBERS-SCHONBERG DISEASE, AUTOSOMAL RECESSIVE; TCIRG1-Related Autosomal Recessive Osteopetrosis. Identifiers: Orphanet 667, MedGen C1850127, MONDO:0009815, OMIM 259700.

Submission:

Myriad Genetics, Inc.
Classification: Uncertain significance for Autosomal recessive osteopetrosis 1. Last evaluated: 2026-08-24. Review status: criteria provided, single submitter. Criteria: Myriad Autosomal Dominant, Autosomal Recessive and X-Linked Classification Criteria (2023). Collection method: clinical testing. Allele origin: unknown.
Comment: NM_006019.3(TCIRG1):c.1791_1793delTGC(A598del) is an in-frame deletion classified as a variant of uncertain significance in the context of autosomal recessive osteopetrosis type 1. A598del has not been observed in cases with relevant disease. Relevant functional assessments of this variant are not available in the literature. A598del has not been observed in referenced population frequency databases. In summary, there is insufficient evidence to classify NM_006019.3(TCIRG1):c.1791_1793delTGC(A598del) as pathogenic or benign. Please note: this variant was assessed in the context of healthy population screening.